The following is an entry in ClinVar:

NM_000334.4(SCN4A):c.4897C>G (p.Gln1633Glu)

Genes: SCN4A (sodium voltage-gated channel alpha subunit 4; minus strand), GH-LCR (growth hormone locus control region; plus strand). Cytogenetic location: 17q23.3.
Variant type: single nucleotide variant.
Coding change: c.4897C>G on transcript NM_000334.4 (MANE Select); coding-DNA position 4897, C replaced by G.
Protein change: p.Gln1633Glu; replaces glutamine 1633 with glutamic acid.
Molecular consequence: missense variant.
Genome position (GRCh38, 1-based): chr17:63,941,385, G>C on the plus strand (C>G on the coding strand, the complement: SCN4A is on the minus strand). VCF-style: chr17-63941385-G-C. GRCh37 (hg19) VCF-style: chr17-62018745-G-C.
Other names: short protein forms Q1633E.
Identifiers: ClinVar variation 1256465 (VCV001256465.4), dbSNP rs2144773878, ClinGen allele CA400614588.

ClinVar aggregate classification (germline): Likely pathogenic. Review status: criteria provided, multiple submitters, no conflicts (2 of 4 stars). 2 submissions from 2 submitters: Likely pathogenic (2). Last evaluated 2023-03-28.

Conditions:
Hyperkalemic periodic paralysis. Also called: Familial hyperkalemic periodic paralysis; Gamstorp disease. Identifiers: Orphanet 682, MedGen C0238357, MONDO:0008224, OMIM 170500, HP:0007215.

Submissions (2):

Labcorp Genetics (formerly Invitae), Labcorp
Classification: Likely pathogenic for Hyperkalemic periodic paralysis. Last evaluated: 2023-03-28. Review status: criteria provided, single submitter. Criteria: Invitae Variant Classification Sherloc (09022015). Collection method: clinical testing. Allele origin: germline.
Comment: This missense change has been observed in individuals with clinical feature of autosomal dominant SCN4A-related conditions (PMID: 19347921; Invitae). It has also been observed to segregate with disease in related individuals. In summary, the currently available evidence indicates that the variant is pathogenic, but additional data are needed to prove that conclusively. Therefore, this variant has been classified as Likely Pathogenic. Experimental studies have shown that this missense change affects SCN4A function (PMID: 19347921). Advanced modeling of protein sequence and biophysical properties (such as structural, functional, and spatial information, amino acid conservation, physicochemical variation, residue mobility, and thermodynamic stability) has been performed at Invitae for this missense variant, however the output from this modeling did not meet the statistical confidence thresholds required to predict the impact of this variant on SCN4A protein function. ClinVar contains an entry for this variant (Variation ID: 1256465). This variant is not present in population databases (gnomAD no frequency). This sequence change replaces glutamine, which is neutral and polar, with glutamic acid, which is acidic and polar, at codon 1633 of the SCN4A protein (p.Gln1633Glu).

Athena Diagnostics
Classification: Likely pathogenic. Last evaluated: 2020-11-23. Review status: criteria provided, single submitter. Criteria: Athena Diagnostics criteria. Collection method: clinical testing. Allele origin: unknown.
Comment: This variant has not been reported in large, multi-ethnic general populations. This variant has been identified in at least one individual with clinical features associated with this gene. Assessment of experimental evidence suggests this variant results in abnormal protein function. This variant causes a disruption of normal sodium channel function (PMID: 19347921). Computational tools predict that this variant is pathogenic.

Literature cited by the submitters: PubMed 19347921 (cited by Labcorp Genetics (formerly Invitae), Labcorp and Athena Diagnostics); PubMed 29246312 (cited by Athena Diagnostics); PubMed 32660787 (cited by Athena Diagnostics).